The following is an entry in ClinVar:

ClinVar aggregate classification (germline): Uncertain significance. Review status: criteria provided, multiple submitters, no conflicts (2 of 4 stars). 2 submissions from 2 submitters: Uncertain significance (2). Last evaluated 2026-02-25.

Conditions:
Inborn genetic diseases. Identifiers: MedGen C0950123, MeSH D030342.

Allele frequency attached by ClinVar (database versions not stated): gnomAD exomes 0.00001; ExAC 0.00002.
gnomAD v4.1: 3 of 1,614,136 alleles (0.00019%); highest among the groups gnomAD compares: Admixed American, 0.005%; no homozygotes.

Submissions (2):

GeneDx
Classification: Uncertain significance. Last evaluated: 2026-02-25. Review status: criteria provided, single submitter. Criteria: GeneDx Variant Classification Process June 2021. Collection method: clinical testing. Allele origin: germline.
Comment: Not observed at significant frequency in large population cohorts (gnomAD); In silico analysis supports that this missense variant has a deleterious effect on protein structure/function; Has not been previously published as pathogenic or benign to our knowledge

Ambry Genetics
Classification: Uncertain significance for Inborn genetic diseases. Last evaluated: 2017-06-25. Review status: criteria provided, single submitter. Criteria: Ambry exome assertion method (8-5-2015). Collection method: clinical testing. Allele origin: germline. Affected: yes. Observed: 1 variant allele.

NM_001365999.1(SZT2):c.8782G>A (p.Gly2928Ser)

Gene: SZT2 (SZT2 subunit of KICSTOR complex; plus strand). Cytogenetic location: 1p34.2.
Variant type: single nucleotide variant.
Coding change: c.8782G>A on transcript NM_001365999.1 (MANE Select); coding-DNA position 8782, G replaced by A.
Protein change: p.Gly2928Ser; replaces glycine 2928 with serine.
Molecular consequence: missense variant.
Genome position (GRCh38, 1-based): chr1:43,443,753, G>A. VCF-style: chr1-43443753-G-A. GRCh37 (hg19) VCF-style: chr1-43909424-G-A.
Other names: c.8611G>A, p.Gly2871Ser (NM_015284.4); short protein forms G2871S, G2928S.
Identifiers: ClinVar variation 521554 (VCV000521554.5), dbSNP rs765828066, ClinGen allele CA810669.